The following is an entry in ClinVar:

ClinVar aggregate classification (germline): Pathogenic/Likely pathogenic. Review status: criteria provided, multiple submitters, no conflicts (2 of 4 stars). 2 submissions from 2 submitters: Pathogenic (1); Likely pathogenic (1). Last evaluated 2025-01-27.

Conditions:
Autosomal recessive hypophosphatemic bone disease (HHRH). Also called: Hypophosphatemic rickets with hypercalciuria; HYPERCALCIURIC RICKETS. Identifiers: Orphanet 157215, MedGen C1853271, MONDO:0009431, OMIM 241530.

Allele frequency attached by ClinVar (database versions not stated): gnomAD 0.00001; gnomAD exomes 0.00001; TOPMed 0.00001; ExAC 0.00002.

Submissions (2):

Labcorp Genetics (formerly Invitae), Labcorp
Classification: Pathogenic. Last evaluated: 2025-01-27. Review status: criteria provided, single submitter. Criteria: Invitae Variant Classification Sherloc (09022015). Collection method: clinical testing. Allele origin: germline.
Comment: This sequence change affects the initiator methionine of the SLC34A3 mRNA. The next in-frame methionine is located at codon 145. This variant is present in population databases (rs748739254, gnomAD 0.003%). This variant has not been reported in the literature in individuals affected with SLC34A3-related conditions. ClinVar contains an entry for this variant (Variation ID: 3020355). This variant disrupts a region of the SLC34A3 protein in which other variant(s) (p.Thr137Met) have been determined to be pathogenic (PMID: 18480181). This suggests that this is a clinically significant region of the protein, and that variants that disrupt it are likely to be disease-causing. For these reasons, this variant has been classified as Pathogenic.

Fulgent Genetics
Classification: Likely pathogenic for Autosomal recessive hypophosphatemic bone disease. Last evaluated: 2024-06-12. Review status: criteria provided, single submitter. Criteria: ACMG Guidelines, 2015. Collection method: clinical testing. Allele origin: germline.

Literature cited by the submitters: PubMed 18480181 (cited by Labcorp Genetics (formerly Invitae), Labcorp).

NM_001177316.2(SLC34A3):c.2T>C (p.Met1Thr)

Gene: SLC34A3 (solute carrier family 34 member 3; plus strand). Cytogenetic location: 9q34.3.
Variant type: single nucleotide variant.
Coding change: c.2T>C on transcript NM_001177316.2 (MANE Select); coding-DNA position 2, T replaced by C.
Protein change: p.Met1Thr; changes the start codon (methionine 1).
Molecular consequence: missense variant, initiator codon variant.
Genome position (GRCh38, 1-based): chr9:137,231,704, T>C. VCF-style: chr9-137231704-T-C. GRCh37 (hg19) VCF-style: chr9-140126156-T-C.
Other names: c.2T>C, p.Met1Thr (NM_001177317.2, NM_080877.3); c.2T>C (NM_080877.2); short protein forms M1T.
Identifiers: ClinVar variation 3020355 (VCV003020355.4), dbSNP rs748739254, ClinGen allele CA5364160.